The following is an entry in ClinVar:

NM_000256.3(MYBPC3):c.3336dup (p.Phe1113fs)

Gene: MYBPC3 (myosin binding protein C3; minus strand). Cytogenetic location: 11p11.2.
Variant type: Duplication.
Coding change: c.3336dup on transcript NM_000256.3 (MANE Select); coding-DNA position 3336, one base duplicated (G; older notation c.3336dupG).
Protein change: p.Phe1113fs; shifts the reading frame from phenylalanine 1113.
Molecular consequence: frameshift variant.
Genome position (GRCh38, 1-based): chr11:47,332,968, C duplicated on the plus strand (G on the coding strand, the reverse complement: MYBPC3 is on the minus strand); the first of 2 consecutive C bases (chr11:47,332,968-47,332,969); duplicating either gives the same sequence. VCF-style (leftmost placement, unchanged base first): chr11-47332967-A-AC. GRCh37 (hg19) VCF-style: chr11-47354518-A-AC.
Other names: short protein forms F1113fs.
Identifiers: ClinVar variation 3658980 (VCV003658980.2).
Genomic context (GRCh38, chr11:47,332,967, plus strand): 5'-TGCCAATGATGAGCTCTGGCACCACGCAGTGGGTGCGGCGGTAATGCTCCAAGACGGTGA[A>AC]CCACTCCTGGGGGCAGGGAGGGAGGGGAGGCATCTCTGGGCCAGGCCCTTCCTGATGCCG-3'

ClinVar aggregate classification (germline): Pathogenic (1 of 4 stars; one submission).

Conditions:
Hypertrophic cardiomyopathy. Also called: HYPERTROPHIC MYOCARDIOPATHY. Identifiers: Orphanet 217569, MedGen C0007194, MeSH D002312, MONDO:0005045, HP:0001639.

Submission:

Labcorp Genetics (formerly Invitae), Labcorp
Classification: Pathogenic for Hypertrophic cardiomyopathy. Last evaluated: 2024-07-08. Review status: criteria provided, single submitter. Criteria: Invitae Variant Classification Sherloc (09022015). Collection method: clinical testing. Allele origin: germline.
Comment: This sequence change creates a premature translational stop signal (p.Phe1113Valfs*36) in the MYBPC3 gene. It is expected to result in an absent or disrupted protein product. Loss-of-function variants in MYBPC3 are known to be pathogenic (PMID: 19574547). This variant is not present in population databases (gnomAD no frequency). This variant has not been reported in the literature in individuals affected with MYBPC3-related conditions. For these reasons, this variant has been classified as Pathogenic.

Literature cited by the submitters: PubMed 19574547.